The following is an entry in ClinVar:

NM_005859.5(PURA):c.238A>T (p.Asn80Tyr)

Gene: PURA (purine rich element binding protein A; plus strand). Cytogenetic location: 5q31.3.
Variant type: single nucleotide variant.
Coding change: c.238A>T on transcript NM_005859.5 (MANE Select); coding-DNA position 238, A replaced by T.
Protein change: p.Asn80Tyr; replaces asparagine 80 with tyrosine.
Molecular consequence: missense variant.
Genome position (GRCh38, 1-based): chr5:140,114,419, A>T. VCF-style: chr5-140114419-A-T. GRCh37 (hg19) VCF-style: chr5-139494004-A-T.
Other names: short protein forms N80Y.
Identifiers: ClinVar variation 4293838 (VCV004293838.1).

ClinVar aggregate classification (germline): Uncertain significance (1 of 4 stars; one submission).

Conditions:
PURA-related severe neonatal hypotonia-seizures-encephalopathy syndrome (NEDRIHF). Also called: NEURODEVELOPMENTAL DISORDER WITH NEONATAL RESPIRATORY INSUFFICIENCY, HYPOTONIA, AND FEEDING DIFFICULTIES; PURA-Related Neurodevelopmental Disorders. Identifiers: Orphanet 438213, Orphanet 438216, MedGen C4015357, MONDO:1060108, OMIM 616158, MONDO:0018580.

Submission:

3billion
Classification: Uncertain significance for PURA-related severe neonatal hypotonia-seizures-encephalopathy syndrome. Last evaluated: 2025-02-19. Review status: criteria provided, single submitter. Criteria: ACMG Guidelines, 2015. Collection method: clinical testing. Allele origin: germline. Affected: yes.
Comment: The variant is not observed in the gnomAD v4.1.0 dataset. Predicted Consequence/Location: Missense variant In silico tool predictions suggest damaging effect of the variant on gene or gene product [3Cnet: 0.99 (>=0.6, sensitivity 0.72 and precision 0.9)]. Therefore, this variant is classified as VUS according to the recommendation of ACMG/AMP guideline.